The following is an entry in ClinVar:

NM_001267550.2(TTN):c.58424A>G (p.Asn19475Ser)

Genes: TTN (titin; minus strand), TTN-AS1 (TTN antisense RNA 1; plus strand). Cytogenetic location: 2q31.2.
Variant type: single nucleotide variant.
Coding change: c.58424A>G on transcript NM_001267550.2 (MANE Select); coding-DNA position 58424, A replaced by G.
Protein change: p.Asn19475Ser; replaces asparagine 19475 with serine.
Molecular consequence: missense variant.
Genome position (GRCh38, 1-based): chr2:178,593,969, T>C on the plus strand (A>G on the coding strand, the complement: TTN is on the minus strand). VCF-style: chr2-178593969-T-C. GRCh37 (hg19) VCF-style: chr2-179458696-T-C.
Other names: p.Asn17834Ser; c.53501A>G, p.Asn17834Ser (NM_001256850.1); c.31229A>G, p.Asn10410Ser (NM_003319.4); c.50720A>G, p.Asn16907Ser (NM_133378.4); c.31604A>G, p.Asn10535Ser (NM_133432.3); c.31805A>G, p.Asn10602Ser (NM_133437.4); short protein forms N10410S, N10535S, N16907S, N19475S, N10602S, N17834S.
Identifiers: ClinVar variation 4540730 (VCV004540730.1).
Genomic context (GRCh38, chr2:178,593,969, plus strand): 5'-TTCTGCTTTTGAAAGAACAGAAGATCTATTCTTTCCACTAAATAAGACTTACCAACAACA[T>C]TAACTTGACAGAAACCTTTCCTAGAGCCTGTACTGTTCTCCACAACCACACAGTATTTGC-3'
Protein context (NP_001254479.2, residues 19465-19485): TGSRKGFCQV[Asn19475Ser]VVDRPGPPVG

ClinVar aggregate classification (germline): Uncertain significance (1 of 4 stars; one submission).

gnomAD v4.1: 6 of 1,613,380 alleles (0.00037%); highest among the groups gnomAD compares: Middle Eastern, 0.033%; no homozygotes.

Submission:

Mayo Clinic Laboratories, Mayo Clinic
Classification: Uncertain significance. Last evaluated: 2025-08-15. Review status: criteria provided, single submitter. Criteria: ACMG Guidelines, 2015. Collection method: clinical testing. Allele origin: germline. Observed: 1 variant allele.
Comment: BP4_moderate